The following is an entry in ClinVar:

NM_001366145.2(TRPM3):c.3791G>A (p.Arg1264Gln)

Genes: KLF9-DT (KLF9 divergent transcript; plus strand), TRPM3 (transient receptor potential cation channel subfamily M member 3; minus strand). Cytogenetic location: 9q21.12.
Variant type: single nucleotide variant.
Coding change: c.3791G>A on transcript NM_001366145.2 (MANE Select); coding-DNA position 3791, G replaced by A.
Protein change: p.Arg1264Gln; replaces arginine 1264 with glutamine.
Molecular consequence: missense variant.
Genome position (GRCh38, 1-based): chr9:70,537,322, C>T on the plus strand (G>A on the coding strand, the complement: TRPM3 is on the minus strand). VCF-style: chr9-70537322-C-T. GRCh37 (hg19) VCF-style: chr9-73152238-C-T.
Other names: c.3755G>A, p.Arg1252Gln (NM_001007471.4, NM_001366151.2); c.3761G>A, p.Arg1254Gln (NM_001366141.2, NM_001366143.2, NM_001366149.2); c.3797G>A, p.Arg1266Gln (NM_001366142.2); c.3791G>A, p.Arg1264Gln (NM_001366146.2); c.3866G>A, p.Arg1289Gln (NM_001366147.2, NM_001366152.2); c.3836G>A, p.Arg1279Gln (NM_001366148.2); c.3725G>A, p.Arg1242Gln (NM_001366150.2); c.3332G>A, p.Arg1111Gln (NM_001366154.2, NM_024971.7); and 5 more; short protein forms R1099Q, R1111Q, R1124Q, R1254Q, R1266Q, R1279Q, R1089Q, R1242Q.
Identifiers: ClinVar variation 3462115 (VCV003462115.3).

ClinVar aggregate classification (germline): Uncertain significance. Review status: criteria provided, multiple submitters, no conflicts (2 of 4 stars). 2 submissions from 2 submitters: Uncertain significance (2). Last evaluated 2025-10-29.

Conditions:
Inborn genetic diseases. Identifiers: MedGen C0950123, MeSH D030342.

gnomAD v4.1: 16 of 1,521,210 alleles (0.0011%); highest among the groups gnomAD compares: South Asian, 0.0078%; no homozygotes.

Submissions (2):

Dasa
Classification: Uncertain significance. Last evaluated: 2025-10-29. Review status: criteria provided, single submitter. Criteria: DASA Assertion Criteria. Collection method: clinical testing. Allele origin: germline.
Comment: NM_001366145.2(TRPM3):c.3791G>A (p.Arg1264Gln) is a missense variant that results in the substitution of arginine with glutamine. This variant is rare in population databases. The currently available literature and clinical evidence are not sufficient to establish a definitive association between this variant and the reported condition. Therefore, this variant is classified as a variant of uncertain significance.

Ambry Genetics
Classification: Uncertain significance for Inborn genetic diseases. Last evaluated: 2024-08-05. Review status: criteria provided, single submitter. Criteria: Ambry Variant Classification Scheme 2023. Collection method: clinical testing. Allele origin: germline.